The following is an entry in ClinVar:

ClinVar aggregate classification (germline): Uncertain significance. Review status: criteria provided, multiple submitters, no conflicts (2 of 4 stars). 3 submissions from 3 submitters: Uncertain significance (3). Last evaluated 2025-08-07.

Conditions:
Inborn genetic diseases. Identifiers: MedGen C0950123, MeSH D030342.
Giant axonal neuropathy 1 (GAN1). Also called: GIANT AXONAL NEUROPATHY 1, AUTOSOMAL RECESSIVE; GAN-Related Neurodegeneration. Identifiers: Orphanet 643, MedGen C1850386, MONDO:0009749, OMIM 256850.

Allele frequency attached by ClinVar (database versions not stated): gnomAD exomes 0.00002; gnomAD 0.00003 and 0.00004; TOPMed 0.00005; ExAC 0.00001.
gnomAD v4.1: 17 of 1,605,504 alleles (0.0011%); highest among the groups gnomAD compares: Admixed American, 0.013%; no homozygotes.

Submissions (3):

Mayo Clinic Laboratories, Mayo Clinic
Classification: Uncertain significance. Last evaluated: 2025-08-07. Review status: criteria provided, single submitter. Criteria: ACMG Guidelines, 2015. Collection method: clinical testing. Allele origin: germline. Observed: 1 variant allele.
Comment: PM2_supporting

Labcorp Genetics (formerly Invitae), Labcorp
Classification: Uncertain significance for Giant axonal neuropathy 1. Last evaluated: 2024-11-11. Review status: criteria provided, single submitter. Criteria: Invitae Variant Classification Sherloc (09022015). Collection method: clinical testing. Allele origin: germline.
Comment: This sequence change replaces aspartic acid, which is acidic and polar, with asparagine, which is neutral and polar, at codon 507 of the GAN protein (p.Asp507Asn). This variant is present in population databases (rs775432106, gnomAD 0.01%). This variant has not been reported in the literature in individuals affected with GAN-related conditions. ClinVar contains an entry for this variant (Variation ID: 1408946). An algorithm developed to predict the effect of missense changes on protein structure and function (PolyPhen-2) suggests that this variant is likely to be disruptive. In summary, the available evidence is currently insufficient to determine the role of this variant in disease. Therefore, it has been classified as a Variant of Uncertain Significance.

Ambry Genetics
Classification: Uncertain significance for Inborn genetic diseases. Last evaluated: 2023-11-14. Review status: criteria provided, single submitter. Criteria: Ambry Variant Classification Scheme 2023. Collection method: clinical testing. Allele origin: germline.

NM_022041.4(GAN):c.1519G>A (p.Asp507Asn)

Gene: GAN (gigaxonin; plus strand). Cytogenetic location: 16q23.2.
Variant type: single nucleotide variant.
Coding change: c.1519G>A on transcript NM_022041.4 (MANE Select); coding-DNA position 1519, G replaced by A.
Protein change: p.Asp507Asn; replaces aspartic acid 507 with asparagine.
Molecular consequence: missense variant.
Genome position (GRCh38, 1-based): chr16:81,377,235, G>A. VCF-style: chr16-81377235-G-A. GRCh37 (hg19) VCF-style: chr16-81410840-G-A.
Other names: p.Asp507Asn; c.880G>A, p.Asp294Asn (NM_001377486.1); c.1519G>A (NM_022041.3); short protein forms D294N, D507N.
Identifiers: ClinVar variation 1408946 (VCV001408946.10), dbSNP rs775432106, ClinGen allele CA8191806.
Genomic context (GRCh38, chr16:81,377,235, plus strand): 5'-ATCCTTTTGATTTCCTTAATTTTGTGCATGGGCTTTGTTTTCAGGTGGATCTATCTTAAC[G>A]ACCAGAATTTATGCATCCCCGCCAGTTCCTCTTTTGTTTATGGAGCTGTACCTATAGGAG-3'
Protein context (NP_071324.1, residues 497-517): DEFKRWIYLN[Asp507Asn]QNLCIPASSS